The following is an entry in ClinVar:

NM_000277.3(PAH):c.199T>C (p.Ser67Pro)

Gene: PAH (phenylalanine hydroxylase; minus strand). Cytogenetic location: 12q23.2.
Variant type: single nucleotide variant.
Coding change: c.199T>C on transcript NM_000277.3 (MANE Select); coding-DNA position 199, T replaced by C.
Protein change: p.Ser67Pro; replaces serine 67 with proline.
Molecular consequence: missense variant.
Genome position (GRCh38, 1-based): chr12:102,894,888, A>G on the plus strand (T>C on the coding strand, the complement: PAH is on the minus strand). VCF-style: chr12-102894888-A-G. GRCh37 (hg19) VCF-style: chr12-103288666-A-G.
Other names: NM_000277.2(PAH):c.199T>C; c.199T>C, p.Ser67Pro (NM_001354304.2); short protein forms S67P.
Identifiers: ClinVar variation 102625 (VCV000102625.13), dbSNP rs5030842, ClinGen allele CA229481.

ClinVar aggregate classification (germline): Pathogenic. Review status: reviewed by expert panel (3 of 4 stars). 6 submissions from 6 submitters: Pathogenic (1). 5 of the submissions do not count toward it. Last evaluated 2023-03-16.

Conditions:
PAH-related disorder. Also called: PAH-related condition.
Phenylketonuria (PKU). Also called: Phenylketonuria (PKU); FOLLING DISEASE; OLIGOPHRENIA PHENYLPYRUVICA; Phenylketonurias. Identifiers: Orphanet 716, MedGen C0031485, MONDO:0009861, OMIM 261600. Disease mechanism: loss of function.

Allele frequency attached by ClinVar (database versions not stated): gnomAD exomes below 0.00001; ExAC 0.00001.
gnomAD v4.1: 3 of 1,613,926 alleles (0.00019%); highest among the groups gnomAD compares: Non-Finnish European, 0.00025%; no homozygotes.

Submissions (6):

ClinGen PAH Variant Curation Expert Panel
Classification: Pathogenic for Phenylketonuria. Last evaluated: 2023-03-16. Review status: reviewed by expert panel. Criteria: ClinGen PAH ACMG Specifications v1. Collection method: curation. Allele origin: germline. Inheritance: Autosomal recessive inheritance.
Comment: The c.199T>C (p.Ser67Pro) variant in PAH has been reported in multiple individuals with PKU (BH4 deficiency excluded). (PP4_Moderate; 8533759; 26351554). This variant has an extremely low allele frequency in ExAC (MAF=0.00002, PM2). This variant was detected in trans with L48S (PMID: 8592329), IVS10-11G>A, R408Q (P), R261Q, R252W (P/LP) PMID: 26351554 (PM3_VS). Multiple lines of computational evidence support a deleterious effect (SIFT, PolyPhen-2, MutationTaster, REVEL=0.954) (PP3). In summary, this variant meets criteria to be classified as pathogenic for PAH. PAH-specific ACMG/AMP criteria applied: PM3_VS, PM2, PP4_Moderate, PP3.

Labcorp Genetics (formerly Invitae), Labcorp
Classification: Pathogenic for Phenylketonuria. Last evaluated: 2024-11-06. Review status: criteria provided, single submitter. Criteria: Invitae Variant Classification Sherloc (09022015). Collection method: clinical testing. Allele origin: germline. Not counted in ClinVar's aggregate classification.
Comment: This sequence change replaces serine, which is neutral and polar, with proline, which is neutral and non-polar, at codon 67 of the PAH protein (p.Ser67Pro). This variant is present in population databases (rs5030842, gnomAD 0.0009%). This missense change has been observed in individual(s) with hyperphenylalaninemia (PMID: 12409276, 16198137, 19292873, 19913839). ClinVar contains an entry for this variant (Variation ID: 102625). Invitae Evidence Modeling of protein sequence and biophysical properties (such as structural, functional, and spatial information, amino acid conservation, physicochemical variation, residue mobility, and thermodynamic stability) indicates that this missense variant is expected to disrupt PAH protein function with a positive predictive value of 80%. For these reasons, this variant has been classified as Pathogenic.

Blueprint Genetics
Classification: Pathogenic for PAH-related disorders. Last evaluated: 2024-08-14. Review status: criteria provided, single submitter. Criteria: ACMG Guidelines, 2015. Collection method: clinical testing. Allele origin: germline. Affected: yes. Observed: 2 variant alleles. Not counted in ClinVar's aggregate classification.

Women's Health and Genetics/Laboratory Corporation of America, LabCorp
Classification: Likely pathogenic for Phenylketonuria. Last evaluated: 2020-09-21. Review status: criteria provided, single submitter. Criteria: LabCorp Variant Classification Summary - May 2015. Collection method: clinical testing. Allele origin: germline. Not counted in ClinVar's aggregate classification.
Comment: Variant summary: PAH c.199T>C (p.Ser67Pro) results in a non-conservative amino acid change located in the ACT domain (IPR002912) of the encoded protein sequence. Five of five in-silico tools predict a damaging effect of the variant on protein function. The variant allele was found at a frequency of 4e-06 in 251284 control chromosomes. c.199T>C has been reported in the literature in multiple individuals affected with Phenylalanine Hydroxylase Deficiency (Phenylketonuria) and has been subsequently cited by others (example, Daniele_2006, Bik-Multanowski_2013, Bagheri_2015). These data indicate that the variant is very likely to be associated with disease. However, to our knowledge, no concrete experimental evidence demonstrating an impact on protein function was ascertained in the context of this classification. One clinical diagnostic laboratory has submitted clinical-significance assessments for this variant to ClinVar after 2014 without evidence for independent evaluation and classified the variant as pathogenic. Based on the evidence outlined above, the variant was classified as likely pathogenic.

Quest Diagnostics Nichols Institute San Juan Capistrano
Classification: Pathogenic. Last evaluated: 2018-04-05. Review status: criteria provided, single submitter. Criteria: Quest Diagnostics criteria. Collection method: clinical testing. Allele origin: germline. Not counted in ClinVar's aggregate classification.

DeBelle Laboratory for Biochemical Genetics, MUHC/MCH RESEARCH INSTITUTE
No classification provided. Review status: no classification provided. Collection method: not provided. Allele origin: not provided. Not counted in ClinVar's aggregate classification.

Literature cited by the submitters: PubMed 26351554 (cited by ClinGen PAH Variant Curation Expert Panel and Women's Health and Genetics/Laboratory Corporation of America, LabCorp); PubMed 8592329 (cited by ClinGen PAH Variant Curation Expert Panel); PubMed 8533759 (cited by ClinGen PAH Variant Curation Expert Panel); PubMed 12409276 (cited by Labcorp Genetics (formerly Invitae), Labcorp); PubMed 16198137 (cited by Labcorp Genetics (formerly Invitae), Labcorp); PubMed 19292873 (cited by Labcorp Genetics (formerly Invitae), Labcorp); PubMed 19913839 (cited by Labcorp Genetics (formerly Invitae), Labcorp); PubMed 9781015 (cited by Women's Health and Genetics/Laboratory Corporation of America, LabCorp); PubMed 9399896 (cited by Women's Health and Genetics/Laboratory Corporation of America, LabCorp); PubMed 17096675 (cited by Women's Health and Genetics/Laboratory Corporation of America, LabCorp); PubMed 24350308 (cited by Women's Health and Genetics/Laboratory Corporation of America, LabCorp); PubMed 30648773 (cited by Women's Health and Genetics/Laboratory Corporation of America, LabCorp).